The following is an entry in ClinVar:

NM_198576.4(AGRN):c.1567G>A (p.Gly523Arg)

Gene: AGRN (agrin; plus strand). Cytogenetic location: 1p36.33.
Variant type: single nucleotide variant.
Coding change: c.1567G>A on transcript NM_198576.4 (MANE Select); coding-DNA position 1567, G replaced by A.
Protein change: p.Gly523Arg; replaces glycine 523 with arginine.
Molecular consequence: missense variant.
Genome position (GRCh38, 1-based): chr1:1,043,421, G>A. VCF-style: chr1-1043421-G-A. GRCh37 (hg19) VCF-style: chr1-978801-G-A.
Other names: c.1567G>A, p.Gly523Arg (NM_001305275.2); c.1252G>A, p.Gly418Arg (NM_001364727.2); short protein forms G418R, G523R.
Identifiers: ClinVar variation 723752 (VCV000723752.9), dbSNP rs377608464, ClinGen allele CA508228.

ClinVar aggregate classification (germline): Likely benign. Review status: criteria provided, multiple submitters, no conflicts (2 of 4 stars). 2 submissions from 2 submitters: Likely benign (2). Last evaluated 2025-10-24.

Conditions:
Congenital myasthenic syndrome 8. Also called: Myasthenic syndrome, congenital, 8, with pre- and postsynaptic defects; MYASTHENIC SYNDROME, CONGENITAL, DUE TO AGRIN DEFICIENCY. Identifiers: Orphanet 590, MedGen C3808739, MONDO:0014052, OMIM 615120.
AGRN-related disorder. Also called: AGRN-related condition.

Allele frequency attached by ClinVar (database versions not stated): TOPMed 0.00004; gnomAD 0.00005 and 0.00012; ESP Exome Variant Server 0.00008; gnomAD exomes 0.00012 and 0.00029; ExAC 0.00041; 1000 Genomes Project 30x 0.00078; 1000 Genomes Project 0.00080.
gnomAD v4.1: 189 of 1,607,408 alleles (0.012%); highest among the groups gnomAD compares: South Asian, 0.16%; 1 homozygote.

Submissions (2):

Labcorp Genetics (formerly Invitae), Labcorp
Classification: Likely benign for Congenital myasthenic syndrome 8. Last evaluated: 2025-10-24. Review status: criteria provided, single submitter. Criteria: Invitae Variant Classification Sherloc (09022015). Collection method: clinical testing. Allele origin: germline.

PreventionGenetics, part of Exact Sciences
Classification: Likely benign for AGRN-related condition. Last evaluated: 2025-02-26. Review status: criteria provided, single submitter. Criteria: ACMG Guidelines, 2015. Collection method: clinical testing. Allele origin: germline.
Comment: This variant is classified as likely benign based on ACMG/AMP sequence variant interpretation guidelines (Richards et al. 2015 PMID: 25741868, with internal and published modifications).